The following is an entry in ClinVar:

NC_000015.9:g.(?_23006221)_(23932364_?)del

Genes: GOLGA6L2 (golgin A6 family like 2; minus strand), MAGEL2 (MAGE family member L2; minus strand), MKRN3 (makorin ring finger protein 3; plus strand), NDN (necdin, MAGE family member; minus strand), NIPA1 (NIPA magnesium transporter 1; plus strand) and 1 more. Cytogenetic location: 15q11.2.
Variant type: Deletion.
Identifiers: ClinVar variation 2426508 (VCV002426508.4).

ClinVar aggregate classification (germline): Uncertain significance (1 of 4 stars; one submission).

Submission:

Labcorp Genetics (formerly Invitae), Labcorp
Classification: Uncertain significance. Last evaluated: 2022-10-31. Review status: criteria provided, single submitter. Criteria: Invitae Variant Classification Sherloc (09022015). Collection method: clinical testing. Allele origin: germline.
Comment: A gross deletion of the genomic region encompassing the full coding sequence of the MAGEL2 gene has been identified. The current clinical and genetic evidence is not sufficient to establish whether loss-of-function variants in MAGEL2 cause disease. The boundaries of this event are unknown as they extend beyond the assayed region for this gene and therefore may encompass additional genes. Isolated whole-gene deletions of MAGEL2 have not been reported in the literature. However, larger copy number events that include this gene have been reported (PMID: 34645491). In summary, the available evidence is currently insufficient to determine the role of this variant in disease. Therefore, it has been classified as a Variant of Uncertain Significance.

Literature cited by the submitters: PubMed 34645491.